The following is an entry in ClinVar:

NM_002016.2(FLG):c.10838_10845del (p.Ala3612_Ser3613insTer)

Genes: CCDST (cervical cancer associated DHX9 suppressive transcript; plus strand), FLG (filaggrin; minus strand). Cytogenetic location: 1q21.3.
Variant type: Deletion.
Coding change: c.10838_10845del on transcript NM_002016.2 (MANE Select); coding-DNA positions 10838 to 10845, 8 bases deleted (CATCCCAT; older notation c.10838_10845delCATCCCAT).
Protein change: p.Ala3612_Ser3613insTer.
Molecular consequence: nonsense.
Genome position (GRCh38, 1-based): chr1:152,304,041-152,304,048, ATGGGATG deleted on the plus strand (CATCCCAT on the coding strand, the reverse complement: FLG is on the minus strand); deleting any 8 consecutive bases within chr1:152,304,041-152,304,051 gives the same sequence; the c. name uses the placement nearest the transcript's 3' end. VCF-style (leftmost placement, unchanged base first): chr1-152304040-CATGGGATG-C. GRCh37 (hg19) VCF-style: chr1-152276516-CATGGGATG-C.
Identifiers: ClinVar variation 5019670 (VCV005019670.2).

ClinVar aggregate classification (germline): Likely pathogenic (1 of 4 stars; one submission).

Conditions:
Dermatitis, atopic, 2. Identifiers: MedGen C1853965, MONDO:0011596, OMIM 605803.
Ichthyosis vulgaris. Also called: ICHTHYOSIS SIMPLEX; Dominant ichthyosis vulgaris. Identifiers: MedGen C0079584, MONDO:0024304, OMIM 146700.

Submission:

Juno Genomics, Hangzhou Juno Genomics, Inc
Classification: Likely pathogenic for Dermatitis, atopic, 2; Ichthyosis vulgaris. Review status: criteria provided, single submitter. Criteria: ACMG Guidelines, 2015. Collection method: clinical testing. Allele origin: germline.
Comment: Absent from controls (or at extremely low frequency if recessive) in Genome Aggregation Database.;Null variant in a gene where loss of function (LOF) is a known mechanism of disease.;Patient's phenotype or family history is highly specific for a disease with a single genetic etiology.